The following is an entry in ClinVar:

NM_019098.5(CNGB3):c.767C>A (p.Ala256Glu)

Gene: CNGB3 (cyclic nucleotide gated channel subunit beta 3; minus strand). Cytogenetic location: 8q21.3.
Variant type: single nucleotide variant.
Coding change: c.767C>A on transcript NM_019098.5 (MANE Select); coding-DNA position 767, C replaced by A.
Protein change: p.Ala256Glu; replaces alanine 256 with glutamic acid.
Molecular consequence: missense variant.
Genome position (GRCh38, 1-based): chr8:86,667,010, G>T on the plus strand (C>A on the coding strand, the complement: CNGB3 is on the minus strand). VCF-style: chr8-86667010-G-T. GRCh37 (hg19) VCF-style: chr8-87679238-G-T.
Other names: short protein forms A256E.
Identifiers: ClinVar variation 500441 (VCV000500441.9), dbSNP rs369083450, ClinGen allele CA4800279.

ClinVar aggregate classification (germline): Uncertain significance. Review status: criteria provided, multiple submitters, no conflicts (2 of 4 stars). 3 submissions from 3 submitters: Uncertain significance (3). Last evaluated 2024-10-26.

Allele frequency attached by ClinVar (database versions not stated): TOPMed 0.00005.
gnomAD v4.1: 16 of 1,613,738 alleles (0.00099%); highest among the groups gnomAD compares: African/African-American, 0.016%; no homozygotes.

Submissions (3):

Labcorp Genetics (formerly Invitae), Labcorp
Classification: Uncertain significance. Last evaluated: 2024-10-26. Review status: criteria provided, single submitter. Criteria: Invitae Variant Classification Sherloc (09022015). Collection method: clinical testing. Allele origin: germline.
Comment: This sequence change replaces alanine, which is neutral and non-polar, with glutamic acid, which is acidic and polar, at codon 256 of the CNGB3 protein (p.Ala256Glu). This variant is present in population databases (rs369083450, gnomAD 0.04%). This variant has not been reported in the literature in individuals affected with CNGB3-related conditions. ClinVar contains an entry for this variant (Variation ID: 500441). Invitae Evidence Modeling of protein sequence and biophysical properties (such as structural, functional, and spatial information, amino acid conservation, physicochemical variation, residue mobility, and thermodynamic stability) indicates that this missense variant is not expected to disrupt CNGB3 protein function with a negative predictive value of 95%. In summary, the available evidence is currently insufficient to determine the role of this variant in disease. Therefore, it has been classified as a Variant of Uncertain Significance.

Blueprint Genetics
Classification: Uncertain significance. Last evaluated: 2022-05-06. Review status: criteria provided, single submitter. Criteria: ACMG Guidelines, 2015. Collection method: clinical testing. Allele origin: germline.

Eurofins Ntd Llc (ga)
Classification: Uncertain significance. Last evaluated: 2017-02-17. Review status: criteria provided, single submitter. Criteria: EGL Classification Definitions 2015. Collection method: clinical testing. Allele origin: germline. Observed: 1 variant allele, 1 heterozygote.